The following is an entry in ClinVar:

NM_005257.6(GATA6):c.947C>A (p.Ala316Glu)

Gene: GATA6 (GATA binding protein 6; plus strand). Cytogenetic location: 18q11.2.
Variant type: single nucleotide variant.
Coding change: c.947C>A on transcript NM_005257.6 (MANE Select); coding-DNA position 947, C replaced by A.
Protein change: p.Ala316Glu; replaces alanine 316 with glutamic acid.
Molecular consequence: missense variant.
Genome position (GRCh38, 1-based): chr18:22,172,091, C>A. VCF-style: chr18-22172091-C-A. GRCh37 (hg19) VCF-style: chr18-19752052-C-A.
Other names: short protein forms A316E.
Identifiers: ClinVar variation 4755195 (VCV004755195.1).

ClinVar aggregate classification (germline): Uncertain significance (1 of 4 stars; one submission).

Conditions:
Atrioventricular septal defect 5 (AVSD5). Identifiers: MedGen C3280939, MONDO:0013769, OMIM 614474.

gnomAD v4.1: 2 of 1,466,346 alleles (0.00014%); highest among the groups gnomAD compares: Middle Eastern, 0.019%; no homozygotes.

Submission:

Labcorp Genetics (formerly Invitae), Labcorp
Classification: Uncertain significance for Atrioventricular septal defect 5. Last evaluated: 2025-10-03. Review status: criteria provided, single submitter. Criteria: Invitae Variant Classification Sherloc (09022015). Collection method: clinical testing. Allele origin: germline.
Comment: This sequence change replaces alanine, which is neutral and non-polar, with glutamic acid, which is acidic and polar, at codon 316 of the GATA6 protein (p.Ala316Glu). This variant is not present in population databases (gnomAD no frequency). This variant has not been reported in the literature in individuals affected with GATA6-related conditions. Invitae Evidence Modeling of protein sequence and biophysical properties (such as structural, functional, and spatial information, amino acid conservation, physicochemical variation, residue mobility, and thermodynamic stability) indicates that this missense variant is not expected to disrupt GATA6 protein function with a negative predictive value of 80%. In summary, the available evidence is currently insufficient to determine the role of this variant in disease. Therefore, it has been classified as a Variant of Uncertain Significance.